The following is an entry in ClinVar:

NM_014679.5(CEP57):c.139A>G (p.Asn47Asp)

Gene: CEP57 (centrosomal protein 57; plus strand). Cytogenetic location: 11q21.
Variant type: single nucleotide variant.
Coding change: c.139A>G on transcript NM_014679.5 (MANE Select); coding-DNA position 139, A replaced by G.
Protein change: p.Asn47Asp; replaces asparagine 47 with aspartic acid.
Molecular consequence: missense variant.
Genome position (GRCh38, 1-based): chr11:95,799,325, A>G. VCF-style: chr11-95799325-A-G. GRCh37 (hg19) VCF-style: chr11-95532489-A-G.
Other names: c.112A>G, p.Asn38Asp (NM_001243776.2); c.139A>G, p.Asn47Asp (NM_001243777.2, NM_001440871.1, NM_001440872.1 and 6 more transcripts); c.58A>G, p.Asn20Asp (NM_001363604.2, NM_001440869.1, NM_001440870.1 and 4 more transcripts); short protein forms N20D, N38D, N47D.
Identifiers: ClinVar variation 4613456 (VCV004613456.1).

ClinVar aggregate classification (germline): Uncertain significance (1 of 4 stars; one submission).

Conditions:
Inborn genetic diseases. Identifiers: MedGen C0950123, MeSH D030342.

gnomAD v4.1: 1 of 1,614,128 alleles (0.000062%); highest among the groups gnomAD compares: Non-Finnish European, 0.000085%; no homozygotes.

Submission:

Ambry Genetics
Classification: Uncertain significance for Inborn genetic diseases. Last evaluated: 2025-09-19. Review status: criteria provided, single submitter. Criteria: Ambry Variant Classification Scheme 2023. Collection method: clinical testing. Allele origin: germline.
Comment: The p.N47D variant (also known as c.139A>G), located in coding exon 2 of the CEP57 gene, results from an A to G substitution at nucleotide position 139. The asparagine at codon 47 is replaced by aspartic acid, an amino acid with highly similar properties. This amino acid position is conserved. In addition, this alteration is predicted to be tolerated by in silico analysis. Based on the available evidence, the clinical significance of this variant remains unclear.